The following is an entry in ClinVar:

ClinVar aggregate classification (germline): Uncertain significance (0 of 4 stars; one submission).

Conditions:
SHH-related disorder. Also called: SHH-related condition; SHH-related disorders.

Submission:

PreventionGenetics, part of Exact Sciences
Classification: Uncertain significance for SHH-related condition. Last evaluated: 2024-08-26. Review status: no assertion criteria provided. Collection method: clinical testing. Allele origin: germline.
Comment: The SHH c.1121A>C variant is predicted to result in the amino acid substitution p.His374Pro. To our knowledge, this variant has not been reported in the literature or in a large population database, indicating this variant is rare. A different variant affecting the same amino acid has been reported in one individual with holoprosencephaly (Roessler et al. 2009. PubMed ID: 19603532). At this time, the clinical significance of this variant is uncertain due to the absence of conclusive functional and genetic evidence.

NM_000193.4(SHH):c.1121A>C (p.His374Pro)

Gene: SHH (sonic hedgehog signaling molecule; minus strand). Cytogenetic location: 7q36.3.
Variant type: single nucleotide variant.
Coding change: c.1121A>C on transcript NM_000193.4 (MANE Select); coding-DNA position 1121, A replaced by C.
Protein change: p.His374Pro; replaces histidine 374 with proline.
Molecular consequence: missense variant. On other transcripts: intron variant (1).
Genome position (GRCh38, 1-based): chr7:155,803,168, T>G on the plus strand (A>C on the coding strand, the complement: SHH is on the minus strand). VCF-style: chr7-155803168-T-G. GRCh37 (hg19) VCF-style: chr7-155595862-T-G.
Other names: c.302-2923A>C (NM_001310462.2); short protein forms H374P.
Identifiers: ClinVar variation 3346566 (VCV003346566.1).